The following is an entry in ClinVar:

ClinVar aggregate classification (germline): Likely benign. Review status: criteria provided, multiple submitters, no conflicts (2 of 4 stars). 2 submissions from 2 submitters: Likely benign (2). Last evaluated 2018-06-19.

Allele frequency attached by ClinVar (database versions not stated): 1000 Genomes Project 30x 0.00515; 1000 Genomes Project 0.00579; gnomAD 0.00848 and 0.00871; TOPMed 0.00710.
gnomAD v4.1: 1,288 of 152,184 alleles (0.85%); highest among the groups gnomAD compares: Non-Finnish European, 1.2%; 9 homozygotes.

Submissions (2):

GeneDx
Classification: Likely benign. Last evaluated: 2018-06-19. Review status: criteria provided, single submitter. Criteria: GeneDx Variant Classification (06012015). Collection method: clinical testing. Allele origin: germline. Affected: yes.
Comment: This variant is considered likely benign or benign based on one or more of the following criteria: it is a conservative change, it occurs at a poorly conserved position in the protein, it is predicted to be benign by multiple in silico algorithms, and/or has population frequency not consistent with disease.

Breakthrough Genomics
Classification: Likely benign. Review status: criteria provided, single submitter. Criteria: ACMG Guidelines, 2015. Collection method: not provided. Allele origin: germline. Inheritance: Autosomal recessive inheritance. Affected: yes.

NM_000288.4(PEX7):c.526+207A>G

Gene: PEX7 (peroxisomal biogenesis factor 7; plus strand). Cytogenetic location: 6q23.3.
Variant type: single nucleotide variant.
Coding change: c.526+207A>G on transcript NM_000288.4 (MANE Select); 207 bases into the intron after coding-DNA position 526, A replaced by G.
Molecular consequence: intron variant.
Genome position (GRCh38, 1-based): chr6:136,846,388, A>G. VCF-style: chr6-136846388-A-G. GRCh37 (hg19) VCF-style: chr6-137167526-A-G.
Identifiers: ClinVar variation 672141 (VCV000672141.2), dbSNP rs148484942, ClinGen allele CA148643407.
Genomic context (GRCh38, chr6:136,846,388, plus strand): 5'-TTTTATTTTTATTTTTTTATTTTTATTATTATACTTTAAGTTCTAGGGTACATGTGCACA[A>G]CGTGCGGGTTTGTTACATGTGTGTGCATGTGTGCCATGTTGGTGTGCTGCACCCATTAAC-3'